The following is an entry in ClinVar:

ClinVar aggregate classification (germline): Benign/Likely benign. Review status: criteria provided, multiple submitters, no conflicts (2 of 4 stars). 13 submissions from 13 submitters: Benign (7); Likely benign (2). 4 of the submissions do not count toward it. Last evaluated 2026-02-04.

Conditions:
Hereditary hemorrhagic telangiectasia (HHT). Also called: Osler hemorrhagic telangiectasia syndrome; ORW DISEASE; Osler Weber Rendu syndrome; OSLER-RENDU-WEBER DISEASE. Identifiers: Orphanet 774, MedGen C0039445, MONDO:0019180. Disease mechanism: loss of function.
Cardiovascular phenotype. Identifiers: MedGen CN230736.
Telangiectasia, hereditary hemorrhagic, type 1 (HHT1). Also called: Osler Weber Rendu syndrome type 1; ENG-Related Hereditary Hemorrhagic Telangiectasia. Identifiers: Orphanet 774, MedGen C4551861, MONDO:0008535, OMIM 187300. Disease mechanism: loss of function.

Allele frequency attached by ClinVar (database versions not stated): ExAC 0.01271; gnomAD 0.01435 and 0.01450; TOPMed 0.01623; gnomAD exomes 0.00832 and 0.00478; ESP Exome Variant Server 0.01484; 1000 Genomes Project 0.02057; 1000 Genomes Project 30x 0.02171.

Submissions (13):

Labcorp Genetics (formerly Invitae), Labcorp
Classification: Benign for Hereditary hemorrhagic telangiectasia. Last evaluated: 2026-02-04. Review status: criteria provided, single submitter. Criteria: Invitae Variant Classification Sherloc (09022015). Collection method: clinical testing. Allele origin: germline.

ARUP Laboratories, Molecular Genetics and Genomics, ARUP Laboratories
Classification: Benign for Telangiectasia, hereditary hemorrhagic, type 1. Last evaluated: 2025-02-03. Review status: criteria provided, single submitter. Criteria: ARUP Molecular Germline Variant Investigation Process 2024. Collection method: clinical testing. Allele origin: germline.

Blueprint Genetics
Classification: Likely benign. Last evaluated: 2024-11-26. Review status: criteria provided, single submitter. Criteria: ACMG Guidelines, 2015. Collection method: clinical testing. Allele origin: germline.

Women's Health and Genetics/Laboratory Corporation of America, LabCorp
Classification: Benign. Last evaluated: 2021-07-08. Review status: criteria provided, single submitter. Criteria: LabCorp Variant Classification Summary - May 2015. Collection method: clinical testing. Allele origin: germline.

Mayo Clinic Laboratories, Mayo Clinic
Classification: Benign. Last evaluated: 2021-03-11. Review status: criteria provided, single submitter. Criteria: ACMG Guidelines, 2015. Collection method: clinical testing. Allele origin: germline. Observed: 19 variant alleles.

Ambry Genetics
Classification: Benign for Cardiovascular phenotype. Last evaluated: 2017-02-20. Review status: criteria provided, single submitter. Criteria: Ambry Variant Classification Scheme 2023. Collection method: clinical testing. Allele origin: germline.

GeneDx
Classification: Benign. Last evaluated: 2014-12-03. Review status: criteria provided, single submitter. Criteria: GeneDx Variant Classification (06012015). Collection method: clinical testing. Allele origin: germline. Affected: yes.
Comment: This variant is considered likely benign or benign based on one or more of the following criteria: it is a conservative change, it occurs at a poorly conserved position in the protein, it is predicted to be benign by multiple in silico algorithms, and/or has population frequency not consistent with disease.

Laboratory for Molecular Medicine, Mass General Brigham Personalized Medicine
Classification: Benign. Last evaluated: 2013-02-21. Review status: criteria provided, single submitter. Criteria: LMM Criteria. Collection method: clinical testing. Allele origin: germline. Observed: 1 variant allele.
Comment: Gly598Gly in exon 14A of ENG: This variant is not expected to have clinical sign ificance because it does not alter an amino acid residue and is not located with in the splice consensus sequence. It has been identified in 4.0% (178/4406) of A frican American chromosomes from a broad population by the NHLBI Exome Sequencin g Project (dbSNP rs41358947).

Breakthrough Genomics
Classification: Likely benign. Review status: criteria provided, single submitter. Criteria: ACMG Guidelines, 2015. Collection method: not provided. Allele origin: germline. Inheritance: Autosomal dominant inheritance. Affected: yes.

Clinical Genetics, Academic Medical Center
Classification: Benign. Review status: no assertion criteria provided. Collection method: clinical testing. Allele origin: germline. Affected: yes. Study: VKGL Data-share Consensus. Not counted in ClinVar's aggregate classification.

Genome Diagnostics Laboratory, Amsterdam University Medical Center
Classification: Benign. Review status: no assertion criteria provided. Collection method: clinical testing. Allele origin: germline. Affected: yes. Study: VKGL Data-share Consensus. Not counted in ClinVar's aggregate classification.

Genome Diagnostics Laboratory, University Medical Center Utrecht
Classification: Likely benign. Review status: no assertion criteria provided. Collection method: clinical testing. Allele origin: germline. Affected: yes. Study: VKGL Data-share Consensus. Not counted in ClinVar's aggregate classification.

Laboratory of Diagnostic Genome Analysis, Leiden University Medical Center (LUMC)
Classification: Benign. Review status: no assertion criteria provided. Collection method: clinical testing. Allele origin: germline. Affected: yes. Study: VKGL Data-share Consensus. Not counted in ClinVar's aggregate classification.

NM_001114753.3(ENG):c.1794T>C (p.Gly598=)

Gene: ENG (endoglin; minus strand). Cytogenetic location: 9q34.11.
Variant type: single nucleotide variant.
Coding change: c.1794T>C on transcript NM_001114753.3 (MANE Select); coding-DNA position 1794, T replaced by C.
Protein change: p.Gly598=; no amino-acid change (glycine 598 retained).
Molecular consequence: synonymous variant.
Genome position (GRCh38, 1-based): chr9:127,816,001, A>G on the plus strand (T>C on the coding strand, the complement: ENG is on the minus strand). VCF-style: chr9-127816001-A-G. GRCh37 (hg19) VCF-style: chr9-130578280-A-G.
Other names: p.G598G:GGT>GGC; p.Gly598=; c.1794T>C, p.Gly598= (NM_000118.4); c.1248T>C, p.Gly416= (NM_001278138.2).
Identifiers: ClinVar variation 213203 (VCV000213203.35), dbSNP rs41358947, ClinGen allele CA321271.
Genomic context (GRCh38, chr9:127,816,001, plus strand): 5'-ACGCGTGTGCGAGTAGATGTACCAGAGTGCAGCAGTGAGCAGGGCCCCGATGAGGAAGGC[A>G]CCAAAGGTGATGCCCAGCACGGCGGGCAGGACGAGGCCTTTGCTTGTGCAACCTAGAGAG-3'
Protein context (NP_001108225.1, residues 588-608): VLPAVLGITF[Gly598=]AFLIGALLTA